The following is an entry in ClinVar:

ClinVar aggregate classification (germline): Uncertain significance (1 of 4 stars; one submission).

Submission:

GeneDx
Classification: Uncertain significance. Last evaluated: 2026-03-04. Review status: criteria provided, single submitter. Criteria: GeneDx Variant Classification Process June 2021. Collection method: clinical testing. Allele origin: germline.
Comment: Not observed at significant frequency in large population cohorts (gnomAD); In silico analysis suggests that this missense variant does not alter protein structure/function; Has not been previously published as pathogenic or benign to our knowledge

NM_001081550.2(THOC2):c.560T>C (p.Ile187Thr)

Gene: THOC2 (THO complex subunit 2; minus strand). Cytogenetic location: Xq25.
Variant type: single nucleotide variant.
Coding change: c.560T>C on transcript NM_001081550.2 (MANE Select); coding-DNA position 560, T replaced by C.
Protein change: p.Ile187Thr; replaces isoleucine 187 with threonine.
Molecular consequence: missense variant.
Genome position (GRCh38, 1-based): chrX:123,696,062, A>G on the plus strand (T>C on the coding strand, the complement: THOC2 is on the minus strand). VCF-style: chrX-123696062-A-G. GRCh37 (hg19) VCF-style: chrX-122829912-A-G.
Other names: c.560T>C, p.Ile187Thr (NM_001441235.1, NM_001441236.1); short protein forms I187T.
Identifiers: ClinVar variation 5008414 (VCV005008414.1).
Genomic context (GRCh38, chrX:123,696,062, plus strand): 5'-ATACAGATAAATGTCTTACCTATTAAAGATTTGATATTTTCTAAGATTAAATCACTAGTA[A>G]TACTTCCAGATAAATCTTGCCCCAATTCAGCAATCAGCTTGGCATAACCTTCATTCTCTT-3'
Protein context (NP_001075019.1, residues 177-197): AELGQDLSGS[Ile187Thr]TSDLILENIK